The following is an entry in ClinVar:

NM_005476.7(GNE):c.1293T>A (p.Val431=)

Gene: GNE (glucosamine (UDP-N-acetyl)-2-epimerase/N-acetylmannosamine kinase; minus strand). Cytogenetic location: 9p13.3.
Variant type: single nucleotide variant.
Coding change: c.1293T>A on transcript NM_005476.7 (MANE Select); coding-DNA position 1293, T replaced by A.
Protein change: p.Val431=; no amino-acid change (valine 431 retained).
Molecular consequence: synonymous variant.
Genome position (GRCh38, 1-based): chr9:36,223,491, A>T on the plus strand (T>A on the coding strand, the complement: GNE is on the minus strand). VCF-style: chr9-36223491-A-T. GRCh37 (hg19) VCF-style: chr9-36223488-A-T.
Other names: c.1386T>A, p.Val462= (NM_001128227.3); c.1293T>A, p.Val431= (NM_001190383.3); c.963T>A, p.Val321= (NM_001190384.3); c.1116T>A, p.Val372= (NM_001190388.2, NM_001374798.1); c.1140T>A, p.Val380= (NM_001374797.1).
Identifiers: ClinVar variation 512203 (VCV000512203.18), dbSNP rs143485388, ClinGen allele CA5056506.

ClinVar aggregate classification (germline): Conflicting classifications of pathogenicity. Review status: criteria provided, conflicting classifications (1 of 4 stars). 6 submissions from 5 submitters: Uncertain significance (1); Likely benign (5). Last evaluated 2026-04-01.

Conditions:
Sialuria. Also called: Sialic Acid Storage Disease; SIALURIA, FRENCH TYPE. Identifiers: Orphanet 3166, MedGen C0342853, MONDO:0010028, OMIM 269921.
GNE myopathy (NM). Also called: INCLUSION BODY MYOPATHY, HEREDITARY, AUTOSOMAL RECESSIVE; INCLUSION BODY MYOPATHY 2, AUTOSOMAL RECESSIVE; MYOPATHY, DISTAL, WITH OR WITHOUT RIMMED VACUOLES; IBM 2; Inclusion body myopathy autosomal recessive; Inclusion body myopathy quadriceps sparing. Identifiers: Orphanet 602, MedGen C1853926, MONDO:0011603, OMIM 605820.

Allele frequency attached by ClinVar (database versions not stated): gnomAD exomes 0.00004 and 0.00010; ExAC 0.00005; gnomAD 0.00007; TOPMed 0.00008; ESP Exome Variant Server 0.00023.

Submissions (6):

CeGaT Center for Human Genetics Tuebingen
Classification: Likely benign. Last evaluated: 2026-04-01. Review status: criteria provided, single submitter. Criteria: CeGaT Center For Human Genetics Tuebingen Variant Classification Criteria Version 2. Collection method: clinical testing. Allele origin: germline. Affected: yes. Observed: 1 variant allele.
Comment: GNE: BP4, BP7

Labcorp Genetics (formerly Invitae), Labcorp
Classification: Likely benign for Sialuria; GNE myopathy. Last evaluated: 2025-12-15. Review status: criteria provided, single submitter. Criteria: Invitae Variant Classification Sherloc (09022015). Collection method: clinical testing. Allele origin: germline.

Blueprint Genetics
Classification: Likely benign. Last evaluated: 2021-04-30. Review status: criteria provided, single submitter. Criteria: ACMG Guidelines, 2015. Collection method: clinical testing. Allele origin: germline.

Illumina Laboratory Services, Illumina
Classification: Likely benign for Sialuria. Last evaluated: 2018-01-13. Review status: criteria provided, single submitter. Criteria: ICSL Variant Classification Criteria 13 December 2019. Collection method: clinical testing. Allele origin: germline.
Comment: This variant was observed in the ICSL laboratory as part of a predisposition screen in an ostensibly healthy population. It had not been previously curated by ICSL or reported in the Human Gene Mutation Database (HGMD: prior to June 1st, 2018), and was therefore a candidate for classification through an automated scoring system. Utilizing variant allele frequency, disease prevalence and penetrance estimates, and inheritance mode, an automated score was calculated to assess if this variant is too frequent to cause the disease. Based on the score and internal cut-off values, a variant classified as likely benign is not then subjected to further curation. The score for this variant resulted in a classification of likely benign for this disease.

Illumina Laboratory Services, Illumina
Classification: Uncertain significance for GNE myopathy. Last evaluated: 2018-01-13. Review status: criteria provided, single submitter. Criteria: ICSL Variant Classification Criteria 13 December 2019. Collection method: clinical testing. Allele origin: germline.

GeneDx
Classification: Likely benign. Last evaluated: 2017-09-19. Review status: criteria provided, single submitter. Criteria: GeneDx Variant Classification (06012015). Collection method: clinical testing. Allele origin: germline. Affected: yes.
Comment: This variant is considered likely benign or benign based on one or more of the following criteria: it is a conservative change, it occurs at a poorly conserved position in the protein, it is predicted to be benign by multiple in silico algorithms, and/or has population frequency not consistent with disease.